The following is an entry in ClinVar:

ClinVar aggregate classification (germline): Uncertain significance (1 of 4 stars; one submission).

Submission:

Labcorp Genetics (formerly Invitae), Labcorp
Classification: Uncertain significance. Last evaluated: 2022-08-31. Review status: criteria provided, single submitter. Criteria: Invitae Variant Classification Sherloc (09022015). Collection method: clinical testing. Allele origin: germline.
Comment: This variant, c.163_165del, results in the deletion of 1 amino acid(s) of the PDE6B protein (p.Glu55del), but otherwise preserves the integrity of the reading frame. In summary, the available evidence is currently insufficient to determine the role of this variant in disease. Therefore, it has been classified as a Variant of Uncertain Significance. Experimental studies and prediction algorithms are not available or were not evaluated, and the functional significance of this variant is currently unknown. This variant has been observed in individual(s) with retinitis pigmentosa (Invitae). This variant is not present in population databases (gnomAD no frequency).

NM_000283.4(PDE6B):c.160GAG[1] (p.Glu55del)

Gene: PDE6B (phosphodiesterase 6B; plus strand). Cytogenetic location: 4p16.3.
Variant type: Microsatellite.
Coding change: c.160GAG[1] on transcript NM_000283.4 (MANE Select); one copy of the 3-base unit GAG starting at c.160; the reference has two copies in a row; one copy, 3 bases deleted.
Protein change: p.Glu55del; deletes glutamic acid 55.
Molecular consequence: inframe deletion.
Genome position (GRCh38, 1-based): chr4:625,789-625,791, GAG deleted; deleting any 3 consecutive bases within chr4:625,785-625,791 gives the same sequence; the position shown is the placement nearest the transcript's 3' end. VCF-style (leftmost placement, unchanged base first): chr4-625784-TGGA-T. GRCh37 (hg19) VCF-style: chr4-619573-TGGA-T.
Other names: c.160GAG[1], p.Glu55del (NM_001145291.2); short protein forms E55del.
Identifiers: ClinVar variation 1483501 (VCV001483501.8), dbSNP rs2109112982, ClinGen allele CA2580616044.